The following is an entry in ClinVar:

ClinVar aggregate classification (germline): Pathogenic (1 of 4 stars; one submission).

Conditions:
Creatine transporter deficiency (CCDS1). Also called: Mental retardation , X-linked with seizures, short stature and midface hypoplasia; Mental retardation , X-linked, with creatine transport deficiency; X-linked creatine transporter deficiency; X-linked creatine deficiency syndrome; SLC6A8-Related Creatine Transporter Deficiency; Creatine Transporter (CRTR) Deficiency. Identifiers: Orphanet 52503, MedGen C1845862, MONDO:0010305, OMIM 300352.

Submission:

Labcorp Genetics (formerly Invitae), Labcorp
Classification: Pathogenic for Creatine transporter deficiency. Last evaluated: 2021-06-27. Review status: criteria provided, single submitter. Criteria: Invitae Variant Classification Sherloc (09022015). Collection method: clinical testing. Allele origin: germline.
Comment: This sequence change creates a premature translational stop signal (p.Gly428Alafs*35) in the SLC6A8 gene. It is expected to result in an absent or disrupted protein product. Loss-of-function variants in SLC6A8 are known to be pathogenic (PMID: 22281021). This variant is not present in population databases (ExAC no frequency). This variant has not been reported in the literature in individuals with SLC6A8-related conditions. For these reasons, this variant has been classified as Pathogenic.

Literature cited by the submitters: PubMed 22281021.

NM_005629.4(SLC6A8):c.1283del (p.Gly428fs)

Gene: SLC6A8 (solute carrier family 6 member 8; plus strand). Cytogenetic location: Xq28.
Variant type: Deletion.
Coding change: c.1283del on transcript NM_005629.4 (MANE Select); coding-DNA position 1283, one base deleted (G; older notation c.1283delG).
Protein change: p.Gly428fs; shifts the reading frame from glycine 428.
Molecular consequence: frameshift variant.
Genome position (GRCh38, 1-based): chrX:153,694,158, G deleted; the last of 2 consecutive G bases (chrX:153,694,157-153,694,158); deleting either gives the same sequence. VCF-style (leftmost placement, unchanged base first): chrX-153694156-CG-C. GRCh37 (hg19) VCF-style: chrX-152959611-CG-C.
Other names: c.1253del, p.Gly418fs (NM_001142805.2); c.938del, p.Gly313fs (NM_001142806.1); short protein forms G418fs, G428fs, G313fs.
Identifiers: ClinVar variation 1376685 (VCV001376685.6), dbSNP rs2148363957, ClinGen allele CA2573131860.